The following is an entry in ClinVar:

NM_005562.3(LAMC2):c.297C>T (p.Ser99=)

Gene: LAMC2 (laminin subunit gamma 2; plus strand). Cytogenetic location: 1q25.3.
Variant type: single nucleotide variant.
Coding change: c.297C>T on transcript NM_005562.3 (MANE Select); coding-DNA position 297, C replaced by T.
Protein change: p.Ser99=; no amino-acid change (serine 99 retained).
Molecular consequence: synonymous variant.
Genome position (GRCh38, 1-based): chr1:183,215,481, C>T. VCF-style: chr1-183215481-C-T. GRCh37 (hg19) VCF-style: chr1-183184616-C-T.
Other names: c.297C>T, p.Ser99= (NM_018891.3).
Identifiers: ClinVar variation 259787 (VCV000259787.20), dbSNP rs2274980, ClinGen allele CA1282287.
Genomic context (GRCh38, chr1:183,215,481, plus strand): 5'-TTCTTTCCTTTCCCCTACCTTGTGGGTTTCAGGTTCTCTTAGTGCTCGATGTGACAACTC[C>T]GGACGGTGCAGCTGTAAACCAGGTGTGACAGGAGCCAGATGCGACCGATGTCTGCCAGGC-3'
Protein context (NP_005553.2, residues 89-109): KGSLSARCDN[Ser99=]GRCSCKPGVT

ClinVar aggregate classification (germline): Benign. Review status: criteria provided, multiple submitters, no conflicts (2 of 4 stars). 8 submissions from 7 submitters: Benign (8). Last evaluated 2026-02-04.

Conditions:
Junctional epidermolysis bullosa. Identifiers: Orphanet 305, MedGen C0079301, MONDO:0017612.
Junctional epidermolysis bullosa, non-Herlitz type. Also called: EPIDERMOLYSIS BULLOSA JUNCTIONALIS, DISENTIS TYPE; EPIDERMOLYSIS BULLOSA JUNCTIONALIS, NON-HERLITZ TYPE; EPIDERMOLYSIS BULLOSA JUNCTIONALIS, PROGRESSIVE; EPIDERMOLYSIS BULLOSA JUNCTIONALIS, SEVERE NONLETHAL; COL17A1-Related Junctional Epidermolysis Bullosa; Adult junctional epidermolysis bullosa. Identifiers: Orphanet 251393, Orphanet 79402, Orphanet 79405, Orphanet 89840, MedGen C0268374, MONDO:0009180, OMIM 226650.
Junctional epidermolysis bullosa gravis of Herlitz. Also called: EPIDERMOLYSIS BULLOSA JUNCTIONALIS, HERLITZ TYPE; EPIDERMOLYSIS BULLOSA, JUNCTIONAL, HERLITZ-PEARSON TYPE; Epidermolysis Bullosa Letalis; JEB-HERLITZ TYPE; EPIDERMOLYSIS BULLOSA, JUNCTIONAL 1B, SEVERE; Herlitz-type junctional epidermolysis bullosa. Identifiers: Orphanet 79404, MedGen C0079683, MONDO:0009182, OMIM 226700.

Allele frequency attached by ClinVar (database versions not stated): gnomAD exomes 0.20880 and 0.24793; ExAC 0.24596; ESP Exome Variant Server 0.24612; gnomAD 0.25565 and 0.25819; TOPMed 0.27113; 1000 Genomes Project 0.31370; 1000 Genomes Project 30x 0.32011.
gnomAD v4.1: 345,026 of 1,613,682 alleles (21%); highest among the groups gnomAD compares: African/African-American, 39%; 41,527 homozygotes.

Submissions (8):

Labcorp Genetics (formerly Invitae), Labcorp
Classification: Benign. Last evaluated: 2026-02-04. Review status: criteria provided, single submitter. Criteria: Invitae Variant Classification Sherloc (09022015). Collection method: clinical testing. Allele origin: germline.

Blueprint Genetics
Classification: Benign. Last evaluated: 2024-11-26. Review status: criteria provided, single submitter. Criteria: ACMG Guidelines, 2015. Collection method: clinical testing. Allele origin: germline.

Genome-Nilou Lab
Classification: Benign for Junctional epidermolysis bullosa gravis of Herlitz. Last evaluated: 2021-07-08. Review status: criteria provided, single submitter. Criteria: ACMG Guidelines, 2015. Collection method: clinical testing. Allele origin: germline. Affected: no.

Genome-Nilou Lab
Classification: Benign for Junctional epidermolysis bullosa, non-Herlitz type. Last evaluated: 2021-07-08. Review status: criteria provided, single submitter. Criteria: ACMG Guidelines, 2015. Collection method: clinical testing. Allele origin: germline. Affected: no.

Illumina Laboratory Services, Illumina
Classification: Benign for Junctional epidermolysis bullosa. Last evaluated: 2018-01-13. Review status: criteria provided, single submitter. Criteria: ICSL Variant Classification Criteria 13 December 2019. Collection method: clinical testing. Allele origin: germline.
Comment: This variant was observed in the ICSL laboratory as part of a predisposition screen in an ostensibly healthy population. It had not been previously curated by ICSL or reported in the Human Gene Mutation Database (HGMD: prior to June 1st, 2018), and was therefore a candidate for classification through an automated scoring system. Utilizing variant allele frequency, disease prevalence and penetrance estimates, and inheritance mode, an automated score was calculated to assess if this variant is too frequent to cause the disease. Based on the score and internal cut-off values, a variant classified as benign is not then subjected to further curation. The score for this variant resulted in a classification of benign for this disease.

GeneDx
Classification: Benign. Last evaluated: 2015-03-03. Review status: criteria provided, single submitter. Criteria: GeneDx Variant Classification Process June 2021. Collection method: clinical testing. Allele origin: germline. Affected: yes.

Breakthrough Genomics
Classification: Benign. Review status: criteria provided, single submitter. Criteria: ACMG Guidelines, 2015. Collection method: not provided. Allele origin: germline. Inheritance: Autosomal recessive inheritance. Affected: yes.

PreventionGenetics, part of Exact Sciences
Classification: Benign. Review status: criteria provided, single submitter. Criteria: ACMG Guidelines, 2015. Collection method: clinical testing. Allele origin: germline.